The following is an entry in ClinVar:

ClinVar aggregate classification (germline): Uncertain significance (1 of 4 stars; one submission).

Conditions:
Cystic fibrosis (CF). Also called: MUCOVISCIDOSIS. Identifiers: Orphanet 586, MedGen C0010674, MONDO:0009061, OMIM 219700. Disease mechanism: loss of function.

Submission:

Ambry Genetics
Classification: Uncertain significance for Cystic fibrosis. Last evaluated: 2025-01-04. Review status: criteria provided, single submitter. Criteria: Ambry Variant Classification Scheme 2023. Collection method: clinical testing. Allele origin: germline.
Comment: The p.E1264D variant (also known as c.3792A>C), located in coding exon 23 of the CFTR gene, results from an A to C substitution at nucleotide position 3792. The glutamic acid at codon 1264 is replaced by aspartic acid, an amino acid with highly similar properties. This amino acid position is conserved. In addition, the in silico prediction for this alteration is inconclusive. Based on the available evidence, the clinical significance of this variant remains unclear.

NM_000492.4(CFTR):c.3792A>C (p.Glu1264Asp)

Genes: CFTR (CF transmembrane conductance regulator; plus strand), CFTR-AS2 (CFTR antisense RNA 2; minus strand). Cytogenetic location: 7q31.2.
Variant type: single nucleotide variant.
Coding change: c.3792A>C on transcript NM_000492.4 (MANE Select); coding-DNA position 3792, A replaced by C.
Protein change: p.Glu1264Asp; replaces glutamic acid 1264 with aspartic acid.
Molecular consequence: missense variant.
Genome position (GRCh38, 1-based): chr7:117,642,512, A>C. VCF-style: chr7-117642512-A-C. GRCh37 (hg19) VCF-style: chr7-117282566-A-C.
Other names: short protein forms E1264D.
Identifiers: ClinVar variation 3832537 (VCV003832537.1).
Genomic context (GRCh38, chr7:117,642,512, plus strand): 5'-AAGAACTGGATCAGGGAAGAGTACTTTGTTATCAGCTTTTTTGAGACTACTGAACACTGA[A>C]GGAGAAATCCAGATCGATGGTGTGTCTTGGGATTCAATAACTTTGCAACAGTGGAGGAAA-3'
Protein context (NP_000483.3, residues 1254-1274): LSAFLRLLNT[Glu1264Asp]GEIQIDGVSW